The following is an entry in ClinVar:

ClinVar aggregate classification (germline): Uncertain significance. Review status: reviewed by expert panel (3 of 4 stars). 2 submissions from 2 submitters: Uncertain significance (1). 1 of the submissions does not count toward it. Last evaluated 2023-12-25.

Conditions:
Monogenic diabetes. Identifiers: Orphanet 183625, MedGen C3888631, MONDO:0015967.

gnomAD v4.1: 1 of 1,613,530 alleles (0.000062%); no homozygotes.

Submissions (2):

ClinGen Monogenic Diabetes Variant Curation Expert Panel
Classification: Uncertain significance for Monogenic diabetes. Last evaluated: 2023-12-25. Review status: reviewed by expert panel. Criteria: ClinGen Diabetes ACMG Specifications HNF4A V2.0.0. Collection method: curation. Allele origin: germline. Inheritance: Autosomal dominant inheritance.
Comment: The c.1064-19C>A variant in the hepatic nuclear factor 4-alpha gene, HNF4A, is predicted to create a new AG dinucleotide and thus potentially create a novel splice acceptor site in intron 8 of NM_175914.5. However, the computational splicing predictor SpliceAI gives a score of 0.01 for acceptor loss, suggesting that the variant has no impact on splicing (BP4). This variant is absent from gnomAD v2.1.1 (PM2_Supporting). In summary, c.1064-19C>A meets the criteria to be classified as a variant of uncertain significance for monogenic diabetes. ACMG/AMP criteria applied, as specified by the ClinGen MDEP (specification version 2.0.0, approved 10/11/2023): BP4, PM2_Supporting.

GeneDx
Classification: Likely benign. Last evaluated: 2020-05-06. Review status: criteria provided, single submitter. Criteria: GeneDx Variant Classification Process June 2021. Collection method: clinical testing. Allele origin: germline. Affected: yes. Not counted in ClinVar's aggregate classification.

NM_175914.5(HNF4A):c.1064-19C>A

Gene: HNF4A (hepatocyte nuclear factor 4 alpha; plus strand). Cytogenetic location: 20q13.12.
Variant type: single nucleotide variant.
Coding change: c.1064-19C>A on transcript NM_175914.5 (MANE Select); 19 bases into the intron before coding-DNA position 1064, C replaced by A.
Molecular consequence: intron variant.
Genome position (GRCh38, 1-based): chr20:44,428,316, C>A. VCF-style: chr20-44428316-C-A. GRCh37 (hg19) VCF-style: chr20-43056956-C-A.
Other names: c.1055-19C>A (NM_001287182.2, NM_001287183.2); c.1064-19C>A (NM_001030003.3); c.1109-19C>A (NM_001258355.2); c.1130-19C>A (NM_178849.3, NM_000457.6).
Identifiers: ClinVar variation 510585 (VCV000510585.5), dbSNP rs202202465, ClinGen allele CA658799363.
Genomic context (GRCh38, chr20:44,428,316, plus strand): 5'-CGCCTGAGGAAGATGGCGTCCCAAGGCCTGAGGTCTGCATCCCAGACTCTCCATCCTGAT[C>A]GACCTTCTCTACCTGCAGGGTCCCCCAGCGATGCACCCCATGCCCACCACCCCCTGCACC-3'